The following is an entry in ClinVar:

ClinVar aggregate classification (germline): Benign/Likely benign. Review status: criteria provided, multiple submitters, no conflicts (2 of 4 stars). 3 submissions from 3 submitters: Benign (1); Likely benign (1). 1 of the submissions does not count toward it. Last evaluated 2026-01-26.

Conditions:
CSPP1-related disorder. Also called: CSPP1-related condition.
Joubert syndrome 21 (JBTS21). Identifiers: MedGen C3810212, MONDO:0014288, OMIM 615636.

Allele frequency attached by ClinVar (database versions not stated): gnomAD 0.00003 and 0.00004; gnomAD exomes 0.00008 and 0.00039; TOPMed 0.00013; 1000 Genomes Project 0.00020; 1000 Genomes Project 30x 0.00031; ExAC 0.00034.
gnomAD v4.1: 113 of 1,562,200 alleles (0.0072%); highest among the groups gnomAD compares: Admixed American, 0.19%; 2 homozygotes.

Submissions (3):

Labcorp Genetics (formerly Invitae), Labcorp
Classification: Benign for Joubert syndrome 21. Last evaluated: 2026-01-26. Review status: criteria provided, single submitter. Criteria: Invitae Variant Classification Sherloc (09022015). Collection method: clinical testing. Allele origin: germline.

Blueprint Genetics
Classification: Likely benign. Last evaluated: 2022-01-20. Review status: criteria provided, single submitter. Criteria: ACMG Guidelines, 2015. Collection method: clinical testing. Allele origin: germline.

PreventionGenetics, part of Exact Sciences
Classification: Likely benign for CSPP1-related condition. Last evaluated: 2019-10-29. Review status: no assertion criteria provided. Collection method: clinical testing. Allele origin: germline. Not counted in ClinVar's aggregate classification.
Comment: This variant is classified as likely benign based on ACMG/AMP sequence variant interpretation guidelines (Richards et al. 2015 PMID: 25741868, with internal and published modifications).

NM_001382391.1(CSPP1):c.924-9G>A

Gene: CSPP1 (centrosome and spindle pole associated protein 1; plus strand). Cytogenetic location: 8q13.2.
Variant type: single nucleotide variant.
Coding change: c.924-9G>A on transcript NM_001382391.1 (MANE Select); 9 bases into the intron before coding-DNA position 924, G replaced by A.
Molecular consequence: intron variant.
Genome position (GRCh38, 1-based): chr8:67,103,028, G>A. VCF-style: chr8-67103028-G-A. GRCh37 (hg19) VCF-style: chr8-68015263-G-A.
Other names: c.924-9G>A (NM_001363132.2); c.843-9G>A (NM_001363131.2, NM_001363133.2); c.1032-9G>A (NM_001364869.1); c.951-9G>A (NM_024790.7, NM_001438331.1, NM_001438330.1); c.951-2877G>A (NM_001364870.1); c.950+7296G>A (NM_001438332.1); c.69-9G>A (NM_001291339.2).
Identifiers: ClinVar variation 767429 (VCV000767429.14), dbSNP rs199910808, ClinGen allele CA4770391.